The following is an entry in ClinVar:

NM_032043.3(BRIP1):c.2906A>G (p.Asn969Ser)

Gene: BRIP1 (BRCA1 interacting DNA helicase 1; minus strand). Cytogenetic location: 17q23.2.
Variant type: single nucleotide variant.
Coding change: c.2906A>G on transcript NM_032043.3 (MANE Select); coding-DNA position 2906, A replaced by G.
Protein change: p.Asn969Ser; replaces asparagine 969 with serine.
Molecular consequence: missense variant.
Genome position (GRCh38, 1-based): chr17:61,684,140, T>C on the plus strand (A>G on the coding strand, the complement: BRIP1 is on the minus strand). VCF-style: chr17-61684140-T-C. GRCh37 (hg19) VCF-style: chr17-59761501-T-C.
Other names: short protein forms N969S.
Identifiers: ClinVar variation 821958 (VCV000821958.10), dbSNP rs1603275723, ClinGen allele CA400480774.

ClinVar aggregate classification (germline): Conflicting classifications of pathogenicity. Review status: criteria provided, conflicting classifications (1 of 4 stars). 2 submissions from 2 submitters: Uncertain significance (1); Likely benign (1). Last evaluated 2024-10-01.

Conditions:
Familial cancer of breast. Also called: Hereditary breast cancer; hereditary breast carcinoma; BREAST CANCER, FAMILIAL. Identifiers: Orphanet 227535, MedGen C0346153, MONDO:0016419, OMIM 114480. Disease mechanism: loss of function.
Fanconi anemia complementation group J. Also called: BRIP1-Related Fanconi Anemia. Identifiers: Orphanet 84, MedGen C1836860, MONDO:0012187, OMIM 609054.
Hereditary cancer-predisposing syndrome. Also called: Hereditary Cancer Syndrome; Neoplastic Syndromes, Hereditary; Hereditary neoplastic syndrome; Tumor predisposition. Identifiers: Orphanet 140162, MedGen C0027672, MeSH D009386, MONDO:0015356.

Submissions (2):

Ambry Genetics
Classification: Likely benign for Hereditary cancer-predisposing syndrome. Last evaluated: 2024-10-01. Review status: criteria provided, single submitter. Criteria: Ambry Variant Classification Scheme 2023. Collection method: clinical testing. Allele origin: germline.

Labcorp Genetics (formerly Invitae), Labcorp
Classification: Uncertain significance for Familial cancer of breast; Fanconi anemia complementation group J. Last evaluated: 2022-05-09. Review status: criteria provided, single submitter. Criteria: Invitae Variant Classification Sherloc (09022015). Collection method: clinical testing. Allele origin: germline.
Comment: In summary, the available evidence is currently insufficient to determine the role of this variant in disease. Therefore, it has been classified as a Variant of Uncertain Significance. Algorithms developed to predict the effect of missense changes on protein structure and function output the following: SIFT: "Tolerated"; PolyPhen-2: "Benign"; Align-GVGD: "Class C0". The serine amino acid residue is found in multiple mammalian species, which suggests that this missense change does not adversely affect protein function. ClinVar contains an entry for this variant (Variation ID: 821958). This variant has not been reported in the literature in individuals affected with BRIP1-related conditions. This variant is not present in population databases (gnomAD no frequency). This sequence change replaces asparagine, which is neutral and polar, with serine, which is neutral and polar, at codon 969 of the BRIP1 protein (p.Asn969Ser).